The following is an entry in ClinVar:

NM_001286.5(CLCN6):c.535A>G (p.Thr179Ala)

Gene: CLCN6 (Cl-/H+ antiporter 6; plus strand). Cytogenetic location: 1p36.22.
Variant type: single nucleotide variant.
Coding change: c.535A>G on transcript NM_001286.5 (MANE Select); coding-DNA position 535, A replaced by G.
Protein change: p.Thr179Ala; replaces threonine 179 with alanine.
Molecular consequence: missense variant. On other transcripts: non-coding transcript variant (1).
Genome position (GRCh38, 1-based): chr1:11,823,788, A>G. VCF-style: chr1-11823788-A-G. GRCh37 (hg19) VCF-style: chr1-11883845-A-G.
Other names: c.469A>G, p.Thr157Ala (NM_001256959.2); short protein forms T157A, T179A.
Identifiers: ClinVar variation 4776131 (VCV004776131.1).

ClinVar aggregate classification (germline): Uncertain significance (1 of 4 stars; one submission).

gnomAD v4.1: 1 of 1,614,220 alleles (0.000062%); no homozygotes.

Submission:

Labcorp Genetics (formerly Invitae), Labcorp
Classification: Uncertain significance. Last evaluated: 2025-12-02. Review status: criteria provided, single submitter. Criteria: Invitae Variant Classification Sherloc (09022015). Collection method: clinical testing. Allele origin: germline.
Comment: This sequence change replaces threonine, which is neutral and polar, with alanine, which is neutral and non-polar, at codon 179 of the CLCN6 protein (p.Thr179Ala). This variant is not present in population databases (gnomAD no frequency). This variant has not been reported in the literature in individuals affected with CLCN6-related conditions. An algorithm developed to predict the effect of missense changes on protein structure and function outputs the following: PolyPhen-2: "Benign". The alanine amino acid residue is found in multiple mammalian species, which suggests that this missense change does not adversely affect protein function. In summary, the available evidence is currently insufficient to determine the role of this variant in disease. Therefore, it has been classified as a Variant of Uncertain Significance.